The following is an entry in ClinVar:

ClinVar aggregate classification (germline): Likely pathogenic (1 of 4 stars; one submission).

Submission:

Labcorp Genetics (formerly Invitae), Labcorp
Classification: Likely pathogenic. Last evaluated: 2022-05-10. Review status: criteria provided, single submitter. Criteria: Invitae Variant Classification Sherloc (09022015). Collection method: clinical testing. Allele origin: germline.
Comment: In summary, the currently available evidence indicates that the variant is pathogenic, but additional data are needed to prove that conclusively. Therefore, this variant has been classified as Likely Pathogenic. Algorithms developed to predict the effect of sequence changes on RNA splicing suggest that this variant may disrupt the consensus splice site. This variant has not been reported in the literature in individuals affected with COL9A2-related conditions. This variant is not present in population databases (gnomAD no frequency). This sequence change affects a donor splice site in intron 19 of the COL9A2 gene. It is expected to disrupt RNA splicing. Variants that disrupt the donor or acceptor splice site typically lead to a loss of protein function (PMID: 16199547), and loss-of-function variants in COL9A2 are known to be pathogenic (PMID: 21671392, 33356723).

Literature cited by the submitters: PubMed 16199547; PubMed 21671392; PubMed 33356723.

NM_001852.4(COL9A2):c.1008+1G>A

Gene: COL9A2 (collagen type IX alpha 2 chain; minus strand). Cytogenetic location: 1p34.2.
Variant type: single nucleotide variant.
Coding change: c.1008+1G>A on transcript NM_001852.4 (MANE Select); the canonical splice donor site of the intron after coding-DNA position 1008, G replaced by A.
Molecular consequence: splice donor variant.
Genome position (GRCh38, 1-based): chr1:40,307,445, C>T on the plus strand (G>A on the coding strand, the complement: COL9A2 is on the minus strand). VCF-style: chr1-40307445-C-T. GRCh37 (hg19) VCF-style: chr1-40773117-C-T.
Identifiers: ClinVar variation 1992789 (VCV001992789.4), dbSNP rs1644046939, ClinGen allele CA339852263.